The following is an entry in ClinVar:

ClinVar aggregate classification (germline): Uncertain significance (1 of 4 stars; one submission).

Conditions:
Atrial fibrillation, familial, 18 (ATFB18). Identifiers: MedGen C4310636, MONDO:0015001, OMIM 617280.

Submission:

Labcorp Genetics (formerly Invitae), Labcorp
Classification: Uncertain significance for Atrial fibrillation, familial, 18. Last evaluated: 2022-02-03. Review status: criteria provided, single submitter. Criteria: Invitae Variant Classification Sherloc (09022015). Collection method: clinical testing. Allele origin: germline.
Comment: In summary, the available evidence is currently insufficient to determine the role of this variant in disease. Therefore, it has been classified as a Variant of Uncertain Significance. Algorithms developed to predict the effect of sequence changes on RNA splicing suggest that this variant may create or strengthen a splice site. Algorithms developed to predict the effect of missense changes on protein structure and function are either unavailable or do not agree on the potential impact of this missense change (SIFT: "Tolerated"; PolyPhen-2: "Not Available"; Align-GVGD: "Class C0"). This variant has not been reported in the literature in individuals affected with MYL4-related conditions. This variant is not present in population databases (gnomAD no frequency). This sequence change replaces lysine, which is basic and polar, with arginine, which is basic and polar, at codon 4 of the MYL4 protein (p.Lys4Arg).

NM_002476.2(MYL4):c.11A>G (p.Lys4Arg)

Gene: MYL4 (myosin light chain 4; plus strand). Cytogenetic location: 17q21.32.
Variant type: single nucleotide variant.
Coding change: c.11A>G on transcript NM_002476.2 (MANE Select); coding-DNA position 11, A replaced by G.
Protein change: p.Lys4Arg; replaces lysine 4 with arginine.
Molecular consequence: missense variant.
Genome position (GRCh38, 1-based): chr17:47,209,433, A>G. VCF-style: chr17-47209433-A-G. GRCh37 (hg19) VCF-style: chr17-45286799-A-G.
Other names: c.11A>G, p.Lys4Arg (NM_001002841.2); short protein forms K4R.
Identifiers: ClinVar variation 1345562 (VCV001345562.8), dbSNP rs2149040681, ClinGen allele CA400030776.